The following is an entry in ClinVar:

NM_001205293.3(CACNA1E):c.2460C>T (p.Leu820=)

Gene: CACNA1E (calcium voltage-gated channel subunit alpha1 E; plus strand). Cytogenetic location: 1q25.3.
Variant type: single nucleotide variant.
Coding change: c.2460C>T on transcript NM_001205293.3 (MANE Select); coding-DNA position 2460, C replaced by T.
Protein change: p.Leu820=; no amino-acid change (leucine 820 retained).
Molecular consequence: synonymous variant.
Genome position (GRCh38, 1-based): chr1:181,732,546, C>T. VCF-style: chr1-181732546-C-T. GRCh37 (hg19) VCF-style: chr1-181701682-C-T.
Other names: c.2460C>T, p.Leu820= (NM_000721.4); c.2403C>T, p.Leu801= (NM_001205294.2).
Identifiers: ClinVar variation 2570742 (VCV002570742.30), dbSNP rs1373774924, ClinGen allele CA422274070.
Genomic context (GRCh38, chr1:181,732,546, plus strand): 5'-GGAGGCGCCGACCATGAACCCGCTCAACCCCCTCAACCCGCTCAGCTCCCTCAACCCGCT[C>T]AATGCCCACCCCAGCCTTTATCGGCGACCCAGGGCCATTGAGGGCCTGGCCCTGGGCCTG-3'
Protein context (NP_001192222.1, residues 810-830): PLNPLSSLNP[Leu820=]NAHPSLYRRP

ClinVar aggregate classification (germline): Conflicting classifications of pathogenicity. Review status: criteria provided, conflicting classifications (1 of 4 stars). 2 submissions from 2 submitters: Uncertain significance (1); Likely benign (1). Last evaluated 2024-12-17.

Allele frequency attached by ClinVar (database versions not stated): gnomAD 0.00001; TOPMed 0.00001.
gnomAD v4.1: 2 of 1,549,394 alleles (0.00013%); highest among the groups gnomAD compares: African/African-American, 0.0014%; no homozygotes.

Submissions (2):

Labcorp Genetics (formerly Invitae), Labcorp
Classification: Likely benign. Last evaluated: 2024-12-17. Review status: criteria provided, single submitter. Criteria: Invitae Variant Classification Sherloc (09022015). Collection method: clinical testing. Allele origin: germline.

CeGaT Center for Human Genetics Tuebingen
Classification: Uncertain significance. Last evaluated: 2023-05-01. Review status: criteria provided, single submitter. Criteria: CeGaT Center For Human Genetics Tuebingen Variant Classification Criteria Version 2. Collection method: clinical testing. Allele origin: germline. Affected: yes. Observed: 1 variant allele.
Comment: CACNA1E: PM2, BP4